The following is an entry in ClinVar:

ClinVar aggregate classification (germline): Likely benign (1 of 4 stars; one submission).

Conditions:
ABCB7-related disorder. Also called: ABCB7-related condition.

Submission:

PreventionGenetics, part of Exact Sciences
Classification: Likely benign for ABCB7-related condition. Last evaluated: 2026-09-20. Review status: criteria provided, single submitter. Criteria: ACMG Guidelines, 2015. Collection method: clinical testing. Allele origin: germline.
Comment: This variant is classified as likely benign based on ACMG/AMP sequence variant interpretation guidelines (Richards et al. 2015 PMID: 25741868, with internal and published modifications).

NM_001271696.3(ABCB7):c.612T>C (p.Ala204=)

Gene: ABCB7 (ATP binding cassette subfamily B member 7; minus strand). Cytogenetic location: Xq13.3.
Variant type: single nucleotide variant.
Coding change: c.612T>C on transcript NM_001271696.3 (MANE Select); coding-DNA position 612, T replaced by C.
Protein change: p.Ala204=; no amino-acid change (alanine 204 retained).
Molecular consequence: synonymous variant.
Genome position (GRCh38, 1-based): chrX:75,075,605, A>G on the plus strand (T>C on the coding strand, the complement: ABCB7 is on the minus strand). VCF-style: chrX-75075605-A-G. GRCh37 (hg19) VCF-style: chrX-74295440-A-G.
Other names: c.492T>C, p.Ala164= (NM_001271697.3); c.534T>C, p.Ala178= (NM_001271698.3); c.495T>C, p.Ala165= (NM_001271699.3); c.615T>C, p.Ala205= (NM_004299.6).
Identifiers: ClinVar variation 4980925 (VCV004980925.1).